The following is an entry in ClinVar:

NC_000006.11:g.(?_65523280)_(65525433_?)del

Gene: EYS (eyes shut homolog; minus strand). Cytogenetic location: 6q12.
Variant type: Deletion.
Identifiers: ClinVar variation 1503721 (VCV001503721.5).

ClinVar aggregate classification (germline): Likely pathogenic (1 of 4 stars; one submission).

Submission:

Labcorp Genetics (formerly Invitae), Labcorp
Classification: Likely pathogenic. Last evaluated: 2023-07-13. Review status: criteria provided, single submitter. Criteria: Invitae Variant Classification Sherloc (09022015). Collection method: clinical testing. Allele origin: germline.
Comment: In summary, the currently available evidence indicates that the variant is pathogenic, but additional data are needed to prove that conclusively. Therefore, this variant has been classified as Likely Pathogenic. This variant results in the deletion of part of exon 22 (c.3244-1963_3434delins37) of the EYS gene. It is expected to disrupt RNA splicing. Variants that disrupt the donor or acceptor splice site typically lead to a loss of protein function (PMID: 16199547), and loss-of-function variants in EYS are known to be pathogenic (PMID: 18836446, 20333770). This variant has not been reported in the literature in individuals affected with EYS-related conditions.

Literature cited by the submitters: PubMed 16199547; PubMed 18836446; PubMed 20333770.